The following is an entry in ClinVar:

NM_022835.3(PLEKHG2):c.1855G>A (p.Glu619Lys)

Gene: PLEKHG2 (pleckstrin homology and RhoGEF domain containing G2; plus strand). Cytogenetic location: 19q13.2.
Variant type: single nucleotide variant.
Coding change: c.1855G>A on transcript NM_022835.3 (MANE Select); coding-DNA position 1855, G replaced by A.
Protein change: p.Glu619Lys; replaces glutamic acid 619 with lysine.
Molecular consequence: missense variant. On other transcripts: intron variant (1).
Genome position (GRCh38, 1-based): chr19:39,422,909, G>A. VCF-style: chr19-39422909-G-A. GRCh37 (hg19) VCF-style: chr19-39913549-G-A.
Other names: c.1678G>A, p.Glu560Lys (NM_001351693.2); c.1677+621G>A (NM_001351694.2); short protein forms E560K, E619K.
Identifiers: ClinVar variation 2184737 (VCV002184737.2), dbSNP rs750591987, ClinGen allele CA9429661.
Genomic context (GRCh38, chr19:39,422,909, plus strand): 5'-GAGGAAGGGCTGGAGATGGATGAACGGGGGCCTTCCCCACTCCACGTCCTGGAAGGGCTC[G>A]AAAGTTCCATTGCAGCTGAAATGCCCAGCATTCCCTGCCTTACCAAAATTCCTGACGTGC-3'
Protein context (NP_073746.2, residues 609-629): PSPLHVLEGL[Glu619Lys]SSIAAEMPSI

ClinVar aggregate classification (germline): Uncertain significance (1 of 4 stars; one submission).

Allele frequency attached by ClinVar (database versions not stated): ExAC 0.00002; gnomAD 0.00003; gnomAD exomes 0.00004.

Submission:

Labcorp Genetics (formerly Invitae), Labcorp
Classification: Uncertain significance. Last evaluated: 2022-06-14. Review status: criteria provided, single submitter. Criteria: Invitae Variant Classification Sherloc (09022015). Collection method: clinical testing. Allele origin: germline.
Comment: In summary, the available evidence is currently insufficient to determine the role of this variant in disease. Therefore, it has been classified as a Variant of Uncertain Significance. Algorithms developed to predict the effect of missense changes on protein structure and function (SIFT, PolyPhen-2, Align-GVGD) all suggest that this variant is likely to be disruptive. This variant has not been reported in the literature in individuals affected with PLEKHG2-related conditions. This variant is present in population databases (rs750591987, gnomAD 0.01%). This sequence change replaces glutamic acid, which is acidic and polar, with lysine, which is basic and polar, at codon 619 of the PLEKHG2 protein (p.Glu619Lys).